The following is an entry in ClinVar:

ClinVar aggregate classification (germline): Benign. Review status: criteria provided, multiple submitters, no conflicts (2 of 4 stars). 2 submissions from 2 submitters: Benign (2). Last evaluated 2018-06-19.

Allele frequency attached by ClinVar (database versions not stated): TOPMed 0.02395; 1000 Genomes Project 0.02776; 1000 Genomes Project 30x 0.03029.
gnomAD v4.1: 6,042 of 1,405,598 alleles (0.43%); highest among the groups gnomAD compares: African/African-American, 7.8%; 208 homozygotes.

Submissions (2):

GeneDx
Classification: Benign. Last evaluated: 2018-06-19. Review status: criteria provided, single submitter. Criteria: GeneDx Variant Classification (06012015). Collection method: clinical testing. Allele origin: germline. Affected: yes.
Comment: This variant is considered likely benign or benign based on one or more of the following criteria: it is a conservative change, it occurs at a poorly conserved position in the protein, it is predicted to be benign by multiple in silico algorithms, and/or has population frequency not consistent with disease.

Breakthrough Genomics
Classification: Benign. Review status: criteria provided, single submitter. Criteria: ACMG Guidelines, 2015. Collection method: not provided. Allele origin: germline. Inheritance: Autosomal dominant inheritance. Affected: yes.

NM_001127222.2(CACNA1A):c.6526+84G>A

Gene: CACNA1A (calcium voltage-gated channel subunit alpha1 A; minus strand). Cytogenetic location: 19p13.13.
Variant type: single nucleotide variant.
Coding change: c.6526+84G>A on transcript NM_001127222.2 (MANE Select); 84 bases into the intron after coding-DNA position 6526, G replaced by A.
Molecular consequence: intron variant.
Genome position (GRCh38, 1-based): chr19:13,209,228, C>T on the plus strand (G>A on the coding strand, the complement: CACNA1A is on the minus strand). VCF-style: chr19-13209228-C-T. GRCh37 (hg19) VCF-style: chr19-13320042-C-T.
Other names: c.6529+84G>A (NM_001127221.2); c.6535+84G>A (NM_001174080.2); c.6544+84G>A (NM_000068.4, NM_023035.3).
Identifiers: ClinVar variation 677367 (VCV000677367.2), dbSNP rs73509459, ClinGen allele CA305547923.
Genomic context (GRCh38, chr19:13,209,228, plus strand): 5'-CTGCAGCTGCTGCCTGGCCCCCTCTGTCCCCTCTCCATGGAGGCCTCTCCCTTTCTTCTT[C>T]CTTAGTGTCTCCTCCGCCCTGCCTTCTCCTCCCCTCTCCTCTCCTCTGTTCTGCTTGTCC-3'